The following is an entry in ClinVar:

NM_000179.3(MSH6):c.1085del (p.Pro362fs)

Gene: MSH6 (mutS homolog 6; plus strand). Cytogenetic location: 2p16.3.
Variant type: Deletion.
Coding change: c.1085del on transcript NM_000179.3 (MANE Select); coding-DNA position 1085, one base deleted (C; older notation c.1085delC).
Protein change: p.Pro362fs; shifts the reading frame from proline 362.
Molecular consequence: frameshift variant.
Genome position (GRCh38, 1-based): chr2:47,799,068, C deleted; the last of 3 consecutive C bases (chr2:47,799,066-47,799,068); deleting any one gives the same sequence. VCF-style (leftmost placement, unchanged base first): chr2-47799065-GC-G. GRCh37 (hg19) VCF-style: chr2-48026204-GC-G.
Other names: c.695del, p.Pro232fs (NM_001281492.2); c.179del, p.Pro60fs (NM_001281493.2, NM_001281494.2); short protein forms P232fs, P60fs.
Identifiers: ClinVar variation 89169 (VCV000089169.2), dbSNP rs267608056, ClinGen allele CA007988.

ClinVar aggregate classification (germline): Pathogenic (3 of 4 stars; one submission).

Conditions:
Lynch syndrome. Identifiers: Orphanet 144, MedGen C4552100, MONDO:0005835. Disease mechanism: loss of function.

Submission:

International Society for Gastrointestinal Hereditary Tumours (InSiGHT)
Classification: Pathogenic for Lynch Syndrome. Last evaluated: 2013-09-05. Review status: reviewed by expert panel. Criteria: Guidelines v1.9. Collection method: research. Allele origin: germline.
Comment: Coding sequence variation resulting in a stop codon

Classified with v1.9 guidelines